The following is an entry in ClinVar:

ClinVar aggregate classification (germline): Pathogenic. Review status: criteria provided, multiple submitters, no conflicts (2 of 4 stars). 3 submissions from 3 submitters: Pathogenic (3). Last evaluated 2024-05-16.

Conditions:
Proteinuria, chronic benign. Identifiers: MedGen C5394384, MONDO:0030042, OMIM 618884.
Imerslund-Grasbeck syndrome type 1 (IGS1). Also called: Megaloblastic anemia 1, Finnish type; Imerslund-Gräsbeck syndrome 1; MEGALOBLASTIC ANEMIA, 1. Identifiers: MedGen C4016819, MONDO:0100156, OMIM 261100.
Imerslund-Grasbeck syndrome. Also called: Imerslund-Gräsbeck syndrome; ENTEROCYTE COBALAMIN MALABSORPTION; ENTEROCYTE INTRINSIC FACTOR RECEPTOR, DEFECT OF; PERNICIOUS ANEMIA, JUVENILE, DUE TO SELECTIVE INTESTINAL MALABSORPTION OF VITAMIN B12, WITH PROTEINURIA; Megaloblastic anemia due to inborn errors of metabolism. Identifiers: Orphanet 35858, MedGen C4551825, MONDO:0009853.

Submissions (3):

Fulgent Genetics
Classification: Pathogenic for Imerslund-Grasbeck syndrome type 1; Proteinuria, chronic benign. Last evaluated: 2024-05-16. Review status: criteria provided, single submitter. Criteria: ACMG Guidelines, 2015. Collection method: clinical testing. Allele origin: germline.

Labcorp Genetics (formerly Invitae), Labcorp
Classification: Pathogenic for Imerslund-Grasbeck syndrome. Last evaluated: 2022-04-04. Review status: criteria provided, single submitter. Criteria: Invitae Variant Classification Sherloc (09022015). Collection method: clinical testing. Allele origin: germline.
Comment: This sequence change creates a premature translational stop signal (p.Cys1563*) in the CUBN gene. It is expected to result in an absent or disrupted protein product. Loss-of-function variants in CUBN are known to be pathogenic (PMID: 15024727, 22929189). Information on the frequency of this variant in the gnomAD database is not available, as this variant may be reported differently in the database. This premature translational stop signal has been observed in individual(s) with clinical features of Imerslund-Gräsbeck syndrome (PMID: 31438875). ClinVar contains an entry for this variant (Variation ID: 974519). For these reasons, this variant has been classified as Pathogenic.

Molecular Biology Laboratory, Fundació Puigvert
Classification: Pathogenic for Proteinuria, chronic benign. Last evaluated: 2020-02-01. Review status: criteria provided, single submitter. Criteria: ACMG Guidelines, 2015. Collection method: research. Allele origin: paternal. Affected: yes.

Literature cited by the submitters: PubMed 15024727 (cited by Labcorp Genetics (formerly Invitae), Labcorp); PubMed 22929189 (cited by Labcorp Genetics (formerly Invitae), Labcorp); PubMed 31438875 (cited by Labcorp Genetics (formerly Invitae), Labcorp); PubMed 33532864 (cited by Molecular Biology Laboratory, Fundació Puigvert).

NM_001081.4(CUBN):c.4689_4690delinsAT (p.Cys1563_Ile1564delinsTer)

Gene: CUBN (cubilin; minus strand). Cytogenetic location: 10p13.
Variant type: Indel.
Coding change: c.4689_4690delinsAT on transcript NM_001081.4 (MANE Select); coding-DNA positions 4689 to 4690, TA replaced by AT.
Protein change: p.Cys1563_Ile1564delinsTer.
Molecular consequence: nonsense.
Genome position (GRCh38, 1-based): chr10:16,982,489-16,982,490, TA replaced by AT on the plus strand (TA replaced by AT on the coding strand, the reverse complement: CUBN is on the minus strand). VCF-style: chr10-16982489-TA-AT. GRCh37 (hg19) VCF-style: chr10-17024488-TA-AT.
Identifiers: ClinVar variation 974519 (VCV000974519.9), dbSNP rs2131697094, ClinGen allele CA1139661401.